The following is an entry in ClinVar:

ClinVar aggregate classification (germline): Uncertain significance. Review status: criteria provided, multiple submitters, no conflicts (2 of 4 stars). 2 submissions from 2 submitters: Uncertain significance (2). Last evaluated 2026-02-09.

Conditions:
Tuberous sclerosis 2 (TSC2). Identifiers: Orphanet 805, MedGen C1860707, MONDO:0013199, OMIM 613254.

Submissions (2):

GeneDx
Classification: Uncertain significance. Last evaluated: 2026-02-09. Review status: criteria provided, single submitter. Criteria: GeneDx Variant Classification Process June 2021. Collection method: clinical testing. Allele origin: germline.
Comment: Not observed at significant frequency in large population cohorts (gnomAD); In silico analysis supports that this missense variant has a deleterious effect on protein structure/function; Has not been previously published as pathogenic or benign to our knowledge; This variant is associated with the following publications: (PMID: 18466115)

Labcorp Genetics (formerly Invitae), Labcorp
Classification: Uncertain significance for Tuberous sclerosis 2. Last evaluated: 2019-04-25. Review status: criteria provided, single submitter. Criteria: Invitae Variant Classification Sherloc (09022015). Collection method: clinical testing. Allele origin: germline.
Comment: This sequence change replaces phenylalanine with leucine at codon 123 of the TSC2 protein (p.Phe123Leu). The phenylalanine residue is highly conserved and there is a small physicochemical difference between phenylalanine and leucine. This variant is not present in population databases (ExAC no frequency). This variant has not been reported in the literature in individuals with TSC2-related disease. Algorithms developed to predict the effect of missense changes on protein structure and function output the following: SIFT: "Tolerated"; PolyPhen-2: "Benign"; Align-GVGD: "Class C0". The leucine amino acid residue is found in multiple mammalian species, suggesting that this missense change does not adversely affect protein function. These predictions have not been confirmed by published functional studies and their clinical significance is uncertain. In summary, the available evidence is currently insufficient to determine the role of this variant in disease. Therefore, it has been classified as a Variant of Uncertain Significance.

NM_000548.5(TSC2):c.369C>G (p.Phe123Leu)

Gene: TSC2 (TSC complex subunit 2; plus strand). Cytogenetic location: 16p13.3.
Variant type: single nucleotide variant.
Coding change: c.369C>G on transcript NM_000548.5 (MANE Select); coding-DNA position 369, C replaced by G.
Protein change: p.Phe123Leu; replaces phenylalanine 123 with leucine.
Molecular consequence: missense variant. On other transcripts: intron variant (1).
Genome position (GRCh38, 1-based): chr16:2,054,328, C>G. VCF-style: chr16-2054328-C-G. GRCh37 (hg19) VCF-style: chr16-2104329-C-G.
Other names: c.369C>G, p.Phe123Leu (NM_001077183.3, NM_001114382.3, NM_001363528.2 and 3 more transcripts); c.258C>G, p.Phe86Leu (NM_001318827.2); c.222C>G, p.Phe74Leu (NM_001318829.2); c.402C>G, p.Phe134Leu (NM_001318832.2); c.-1-1868C>G (NM_001318831.2); short protein forms F123L, F74L, F134L, F86L.
Identifiers: ClinVar variation 567814 (VCV000567814.11), dbSNP rs1567399252, ClinGen allele CA394306690.